The following is an entry in ClinVar:

ClinVar aggregate classification (germline): Uncertain significance. Review status: criteria provided, multiple submitters, no conflicts (2 of 4 stars). 2 submissions from 2 submitters: Uncertain significance (2). Last evaluated 2024-03-26.

Conditions:
Inborn genetic diseases. Identifiers: MedGen C0950123, MeSH D030342.

Allele frequency attached by ClinVar (database versions not stated): gnomAD exomes below 0.00001.
gnomAD v4.1: 2 of 1,613,378 alleles (0.00012%); highest among the groups gnomAD compares: Non-Finnish European, 0.00017%; no homozygotes.

Submissions (2):

Ambry Genetics
Classification: Uncertain significance for Inborn genetic diseases. Last evaluated: 2024-03-26. Review status: criteria provided, single submitter. Criteria: Ambry Variant Classification Scheme 2023. Collection method: clinical testing. Allele origin: germline.

GeneDx
Classification: Uncertain significance. Last evaluated: 2021-05-25. Review status: criteria provided, single submitter. Criteria: GeneDx Variant Classification Process June 2021. Collection method: clinical testing. Allele origin: germline. Affected: yes.
Comment: Not observed at significant frequency in large population cohorts (Lek et al., 2016); In silico analysis supports that this missense variant has a deleterious effect on protein structure/function; Has not been previously published as pathogenic or benign to our knowledge

NM_000079.4(CHRNA1):c.772G>C (p.Asp258His)

Gene: CHRNA1 (cholinergic receptor nicotinic alpha 1 subunit; minus strand). Cytogenetic location: 2q31.1.
Variant type: single nucleotide variant.
Coding change: c.772G>C on transcript NM_000079.4 (MANE Select); coding-DNA position 772, G replaced by C.
Protein change: p.Asp258His; replaces aspartic acid 258 with histidine.
Molecular consequence: missense variant.
Genome position (GRCh38, 1-based): chr2:174,753,509, C>G on the plus strand (G>C on the coding strand, the complement: CHRNA1 is on the minus strand). VCF-style: chr2-174753509-C-G. GRCh37 (hg19) VCF-style: chr2-175618237-C-G.
Other names: c.847G>C, p.Asp283His (NM_001039523.3); short protein forms D258H, D283H.
Identifiers: ClinVar variation 1326761 (VCV001326761.3), dbSNP rs2105347640, ClinGen allele CA349338661.
Genomic context (GRCh38, chr2:174,753,509, plus strand): 5'-AGCAGCACGAGACCCATCAGCGTCAGCAGCAGCAGTCATGGCAACCACACCCACCTGAGT[C>G]TGTGGGCAGGTAGAATACCAGGCCAGTTAAGAAGGAGAAGAGCAGGCAGGGGATGATGAC-3'
Protein context (NP_000070.1, residues 248-268): LTGLVFYLPT[Asp258His]SGEKMTLSIS